The following is an entry in ClinVar:

NM_005045.4(RELN):c.2954C>G (p.Ala985Gly)

Gene: RELN (reelin; minus strand). Cytogenetic location: 7q22.1.
Variant type: single nucleotide variant.
Coding change: c.2954C>G on transcript NM_005045.4 (MANE Select); coding-DNA position 2954, C replaced by G.
Protein change: p.Ala985Gly; replaces alanine 985 with glycine.
Molecular consequence: missense variant.
Genome position (GRCh38, 1-based): chr7:103,610,749, G>C on the plus strand (C>G on the coding strand, the complement: RELN is on the minus strand). VCF-style: chr7-103610749-G-C. GRCh37 (hg19) VCF-style: chr7-103251196-G-C.
Other names: c.2954C>G, p.Ala985Gly (NM_173054.3); short protein forms A985G.
Identifiers: ClinVar variation 195682 (VCV000195682.22), dbSNP rs138598422, ClinGen allele CA242205.

ClinVar aggregate classification (germline): Conflicting classifications of pathogenicity. Review status: criteria provided, conflicting classifications (1 of 4 stars). 6 submissions from 6 submitters: Uncertain significance (5); Benign (1). Last evaluated 2025-11-24.

Conditions:
Familial temporal lobe epilepsy 7. Identifiers: Orphanet 101046, MedGen C4225327, MONDO:0014639, OMIM 616436.
Epilepsy, familial temporal lobe, 1. Identifiers: Orphanet 101046, MedGen CN030884, MONDO:0700090, OMIM 600512.
Norman-Roberts syndrome (LIS2). Also called: Lissencephaly 2 (Norman-Roberts type). Identifiers: Orphanet 89844, MedGen C0796089, MONDO:0009760, OMIM 257320.

Allele frequency attached by ClinVar (database versions not stated): gnomAD exomes 0.00010 and 0.00018; 1000 Genomes Project 0.00020; ExAC 0.00021; gnomAD 0.00025; 1000 Genomes Project 30x 0.00031; ESP Exome Variant Server 0.00046; TOPMed 0.00053.
gnomAD v4.1: 226 of 1,612,212 alleles (0.014%); highest among the groups gnomAD compares: African/African-American, 0.18%; 2 homozygotes.

Submissions (6):

Labcorp Genetics (formerly Invitae), Labcorp
Classification: Benign for Familial temporal lobe epilepsy 7; Norman-Roberts syndrome. Last evaluated: 2025-11-24. Review status: criteria provided, single submitter. Criteria: Invitae Variant Classification Sherloc (09022015). Collection method: clinical testing. Allele origin: germline.

GeneDx
Classification: Uncertain significance. Last evaluated: 2022-12-09. Review status: criteria provided, single submitter. Criteria: GeneDx Variant Classification Process June 2021. Collection method: clinical testing. Allele origin: germline. Affected: yes.
Comment: In silico analysis supports that this missense variant does not alter protein structure/function; Has not been previously published as pathogenic or benign to our knowledge

Fulgent Genetics
Classification: Uncertain significance for Norman-Roberts syndrome; Epilepsy, familial temporal lobe, 1; Familial temporal lobe epilepsy 7. Last evaluated: 2022-03-28. Review status: criteria provided, single submitter. Criteria: ACMG Guidelines, 2015. Collection method: clinical testing. Allele origin: unknown.

Illumina Laboratory Services, Illumina
Classification: Uncertain significance for Norman-Roberts syndrome. Last evaluated: 2018-01-13. Review status: criteria provided, single submitter. Criteria: ICSL Variant Classification Criteria 13 December 2019. Collection method: clinical testing. Allele origin: germline.

Eurofins Ntd Llc (ga)
Classification: Uncertain significance. Last evaluated: 2014-05-07. Review status: criteria provided, single submitter. Criteria: EGL Classification Definitions 2015. Collection method: clinical testing. Allele origin: germline. Observed: 2 variant alleles, 2 heterozygotes.

Breakthrough Genomics
Classification: Uncertain significance. Review status: criteria provided, single submitter. Criteria: ACMG Guidelines, 2015. Collection method: not provided. Allele origin: germline. Inheritance: Autosomal recessive inheritance. Affected: yes.